The following is an entry in ClinVar:

NM_001943.5(DSG2):c.2507T>C (p.Leu836Pro)

Genes: DSG2 (desmoglein 2; plus strand), DSG2-AS1 (DSG2 antisense RNA 1; minus strand). Cytogenetic location: 18q12.1.
Variant type: single nucleotide variant.
Coding change: c.2507T>C on transcript NM_001943.5 (MANE Select); coding-DNA position 2507, T replaced by C.
Protein change: p.Leu836Pro; replaces leucine 836 with proline.
Molecular consequence: missense variant. On other transcripts: non-coding transcript variant (1).
Genome position (GRCh38, 1-based): chr18:31,545,893, T>C. VCF-style: chr18-31545893-T-C. GRCh37 (hg19) VCF-style: chr18-29125856-T-C.
Other names: short protein forms L836P.
Identifiers: ClinVar variation 1019618 (VCV001019618.9), dbSNP rs1425278506, ClinGen allele CA402144741.

ClinVar aggregate classification (germline): Uncertain significance. Review status: criteria provided, multiple submitters, no conflicts (2 of 4 stars). 2 submissions from 2 submitters: Uncertain significance (2). Last evaluated 2024-03-07.

Conditions:
Cardiomyopathy (CMYO). Also called: Cardiomyopathies. Identifiers: Orphanet 167848, MedGen C0878544, MONDO:0004994, HP:0001638. Inheritance: Various modes of inheritance.
Arrhythmogenic right ventricular dysplasia 10. Also called: Arrhythmogenic Right Ventricular Dysplasia/Cardiomyopathy10; ARRHYTHMOGENIC RIGHT VENTRICULAR DYSPLASIA, FAMILIAL, 10; Arrhythmogenic right ventricular dysplasia/cardiomyopathy, type 10. Identifiers: MedGen C1857777, MONDO:0012434, OMIM 610193.

Allele frequency attached by ClinVar (database versions not stated): gnomAD exomes below 0.00001.
gnomAD v4.1: 1 of 1,614,150 alleles (0.000062%); highest among the groups gnomAD compares: East Asian, 0.0022%; no homozygotes.

Submissions (2):

Color Diagnostics, LLC DBA Color Health
Classification: Uncertain significance for Cardiomyopathy. Last evaluated: 2024-03-07. Review status: criteria provided, single submitter. Criteria: ACMG Guidelines, 2015. Collection method: clinical testing. Allele origin: germline.
Comment: This missense variant replaces leucine with proline at codon 836 of the DSG2 protein. Computational prediction suggests that this variant may have deleterious impact on protein structure and function (internally defined REVEL score threshold >= 0.7, PMID: 27666373). To our knowledge, functional studies have not been reported for this variant. This variant has not been reported in individuals affected with cardiovascular disorders in the literature. This variant has been identified in 1/249112 chromosomes in the general population by the Genome Aggregation Database (gnomAD). The available evidence is insufficient to determine the role of this variant in disease conclusively. Therefore, this variant is classified as a Variant of Uncertain Significance.

Labcorp Genetics (formerly Invitae), Labcorp
Classification: Uncertain significance for Arrhythmogenic right ventricular dysplasia 10. Last evaluated: 2021-08-24. Review status: criteria provided, single submitter. Criteria: Invitae Variant Classification Sherloc (09022015). Collection method: clinical testing. Allele origin: germline.
Comment: This sequence change replaces leucine with proline at codon 836 of the DSG2 protein (p.Leu836Pro). The leucine residue is highly conserved and there is a moderate physicochemical difference between leucine and proline. This variant is not present in population databases (ExAC no frequency). This variant has not been reported in the literature in individuals affected with DSG2-related conditions. Algorithms developed to predict the effect of missense changes on protein structure and function (SIFT, PolyPhen-2, Align-GVGD) all suggest that this variant is likely to be disruptive. In summary, the available evidence is currently insufficient to determine the role of this variant in disease. Therefore, it has been classified as a Variant of Uncertain Significance.